The following is an entry in ClinVar:

ClinVar aggregate classification (germline): Pathogenic (1 of 4 stars; one submission).

Conditions:
Neurodevelopmental disorder with hypotonia, stereotypic hand movements, and impaired language. Also called: Intellectual disability, autosomal dominant 20. Identifiers: Orphanet 228384, Orphanet 664410, MedGen C3150700, MONDO:0013266, OMIM 613443.

Submission:

Labcorp Genetics (formerly Invitae), Labcorp
Classification: Pathogenic for Neurodevelopmental disorder with hypotonia, stereotypic hand movements, and impaired language. Last evaluated: 2025-04-09. Review status: criteria provided, single submitter. Criteria: Invitae Variant Classification Sherloc (09022015). Collection method: clinical testing. Allele origin: germline.
Comment: This sequence change creates a premature translational stop signal (p.Leu88*) in the MEF2C gene. It is expected to result in an absent or disrupted protein product. Loss-of-function variants in MEF2C are known to be pathogenic (PMID: 20513142). This variant is not present in population databases (gnomAD no frequency). This variant has not been reported in the literature in individuals affected with MEF2C-related conditions. For these reasons, this variant has been classified as Pathogenic.

Literature cited by the submitters: PubMed 20513142.

NM_002397.5(MEF2C):c.263T>A (p.Leu88Ter)

Gene: MEF2C (myocyte enhancer factor 2C; minus strand). Cytogenetic location: 5q14.3.
Variant type: single nucleotide variant.
Coding change: c.263T>A on transcript NM_002397.5 (MANE Select); coding-DNA position 263, T replaced by A.
Protein change: p.Leu88Ter; replaces leucine 88 with a stop codon.
Molecular consequence: nonsense. On other transcripts: 5 prime UTR variant (2), intron variant (10).
Genome position (GRCh38, 1-based): chr5:88,761,324, A>T on the plus strand (T>A on the coding strand, the complement: MEF2C is on the minus strand). VCF-style: chr5-88761324-A-T. GRCh37 (hg19) VCF-style: chr5-88057141-A-T.
Other names: c.263T>A, p.Leu88Ter (NM_001308002.3, NM_001363581.2, NM_001364329.2 and 20 more transcripts); c.-116T>A (NM_001364353.2, NM_001364356.2); c.259-9281T>A (NM_001364344.2, NM_001364354.2, NM_001364332.2 and 3 more transcripts); c.259-199T>A (NM_001131005.2, NM_001364352.2, NM_001364343.2); c.-24-9281T>A (NM_001364357.2); short protein forms L88*.
Identifiers: ClinVar variation 4716434 (VCV004716434.1).